The following is an entry in ClinVar:

ClinVar aggregate classification (germline): Pathogenic. Review status: criteria provided, multiple submitters, no conflicts (2 of 4 stars). 2 submissions from 2 submitters: Pathogenic (2). Last evaluated 2025-09-10.

Conditions:
Axial spondylometaphyseal dysplasia. Also called: AXIAL SMD. Identifiers: Orphanet 168549, MedGen C1865695, MONDO:0011211, OMIM 602271.

Submissions (2):

Genomic Medicine Center of Excellence, King Faisal Specialist Hospital and Research Centre
Classification: Pathogenic for Axial spondylometaphyseal dysplasia. Last evaluated: 2025-09-10. Review status: criteria provided, single submitter. Criteria: ACMG Guidelines, 2015. Collection method: clinical testing. Allele origin: germline.

Labcorp Genetics (formerly Invitae), Labcorp
Classification: Pathogenic. Last evaluated: 2023-03-16. Review status: criteria provided, single submitter. Criteria: Invitae Variant Classification Sherloc (09022015). Collection method: clinical testing. Allele origin: germline.
Comment: This variant is not present in population databases (gnomAD no frequency). For these reasons, this variant has been classified as Pathogenic. ClinVar contains an entry for this variant (Variation ID: 1413087). This variant has not been reported in the literature in individuals affected with CFAP410-related conditions. This sequence change creates a premature translational stop signal (p.Glu16*) in the CFAP410 gene. It is expected to result in an absent or disrupted protein product. Loss-of-function variants in CFAP410 are known to be pathogenic (PMID: 23105016, 26167768).

Literature cited by the submitters: PubMed 23105016 (cited by Labcorp Genetics (formerly Invitae), Labcorp); PubMed 26167768 (cited by Labcorp Genetics (formerly Invitae), Labcorp).

NM_004928.3(CFAP410):c.46G>T (p.Glu16Ter)

Genes: CFAP410 (cilia and flagella associated protein 410; minus strand), LOC130066823 (ATAC-STARR-seq lymphoblastoid silent region 13383; plus strand). Cytogenetic location: 21q22.3.
Variant type: single nucleotide variant.
Coding change: c.46G>T on transcript NM_004928.3 (MANE Select); coding-DNA position 46, G replaced by T.
Protein change: p.Glu16Ter; replaces glutamic acid 16 with a stop codon.
Molecular consequence: nonsense.
Genome position (GRCh38, 1-based): chr21:44,339,149, C>A on the plus strand (G>T on the coding strand, the complement: CFAP410 is on the minus strand). VCF-style: chr21-44339149-C-A. GRCh37 (hg19) VCF-style: chr21-45759032-C-A.
Other names: c.46G>T, p.Glu16Ter (NM_001271440.2, NM_001271441.2); short protein forms E16*.
Identifiers: ClinVar variation 1413087 (VCV001413087.7), dbSNP rs762237699, ClinGen allele CA410461194.